The following is an entry in ClinVar:

ClinVar aggregate classification (germline): Uncertain significance (1 of 4 stars; one submission).

Allele frequency attached by ClinVar (database versions not stated): TOPMed below 0.00001; gnomAD 0.00001.
gnomAD v4.1: 1 of 1,610,588 alleles (0.000062%); highest among the groups gnomAD compares: Non-Finnish European, 0.000085%; no homozygotes.

Submission:

GeneDx
Classification: Uncertain significance. Last evaluated: 2022-09-14. Review status: criteria provided, single submitter. Criteria: GeneDx Variant Classification Process June 2021. Collection method: clinical testing. Allele origin: germline. Affected: yes.
Comment: Not observed at significant frequency in large population cohorts (gnomAD); In silico analysis supports that this missense variant does not alter protein structure/function; Has not been previously published as pathogenic or benign to our knowledge

NM_001378120.1(MBD5):c.2545G>A (p.Ala849Thr)

Gene: MBD5 (methyl-CpG binding domain protein 5; plus strand). Cytogenetic location: 2q23.1.
Variant type: single nucleotide variant.
Coding change: c.2545G>A on transcript NM_001378120.1 (MANE Select); coding-DNA position 2545, G replaced by A.
Protein change: p.Ala849Thr; replaces alanine 849 with threonine.
Molecular consequence: missense variant.
Genome position (GRCh38, 1-based): chr2:148,483,136, G>A. VCF-style: chr2-148483136-G-A. GRCh37 (hg19) VCF-style: chr2-149240705-G-A.
Other names: c.2545G>A, p.Ala849Thr (NM_018328.5); short protein forms A849T.
Identifiers: ClinVar variation 2444706 (VCV002444706.1), dbSNP rs1200182816, ClinGen allele CA348722188.
Genomic context (GRCh38, chr2:148,483,136, plus strand): 5'-ACTGGGTTTTGTGTTTTTTTTTTTTTCATTTTAGGCGGTTCAGGACCATCATCCTCCATA[G>A]CCATAGCGGGCACCAACCACCCTGCCATCACAAAGACAACATCTGTTCTTCAAGATGGCG-3'
Protein context (NP_001365049.1, residues 839-859): AGGSGPSSSI[Ala849Thr]IAGTNHPAIT